The following is an entry in ClinVar:

NM_000018.4(ACADVL):c.932del (p.Phe311fs)

Gene: ACADVL (acyl-CoA dehydrogenase very long chain; plus strand). Cytogenetic location: 17p13.1.
Variant type: Deletion.
Coding change: c.932del on transcript NM_000018.4 (MANE Select); coding-DNA position 932, one base deleted (T; older notation c.932delT).
Protein change: p.Phe311fs; shifts the reading frame from phenylalanine 311.
Molecular consequence: frameshift variant.
Genome position (GRCh38, 1-based): chr17:7,222,720, T deleted; the last of 2 consecutive T bases (chr17:7,222,719-7,222,720); deleting either gives the same sequence. VCF-style (leftmost placement, unchanged base first): chr17-7222718-GT-G. GRCh37 (hg19) VCF-style: chr17-7126037-GT-G.
Other names: NM_000018.4(ACADVL):c.932del; p.Phe311fs; c.866del, p.Phe289fs (NM_001033859.3); c.1001del, p.Phe334fs (NM_001270447.2); c.704del, p.Phe235fs (NM_001270448.2); short protein forms F235fs, F289fs, F311fs, F334fs.
Identifiers: ClinVar variation 554546 (VCV000554546.24), dbSNP rs764488310, ClinGen allele CA8337906.

ClinVar aggregate classification (germline): Likely pathogenic. Review status: reviewed by expert panel (3 of 4 stars). 7 submissions from 7 submitters: Likely pathogenic (1). 6 of the submissions do not count toward it. Last evaluated 2023-09-26.

Conditions:
Very long chain acyl-CoA dehydrogenase deficiency (ACADVLD). Also called: Very Long-Chain Acyl-Coenzyme A Dehydrogenase Deficiency; VLCAD Deficiency. Identifiers: Orphanet 26793, MedGen C3887523, MONDO:0008723, OMIM 201475.

Submissions (7):

ClinGen ACADVL Variant Curation Expert Panel, ClinGen
Classification: Likely pathogenic for Very long chain acyl-CoA dehydrogenase deficiency. Last evaluated: 2023-09-26. Review status: reviewed by expert panel. Criteria: clingen acadvl acmg specifications v1. Collection method: curation. Allele origin: germline. Inheritance: Autosomal recessive inheritance.
Comment: NM_000018.4(ACADVL):c.932del (p.Phe311SerfsTer42) variant in ACADVL is a frameshift variant predicted cause a premature stop codon in biologically-relevant-exon 10/20 leading to nonsense mediated decay in a gene in which loss-of-function is an established disease mechanism (PVS1; PMIDs 9973285, 11590124). The highest population minor allele frequency in gnomAD v2.1.1 is 0.000009 in non-Finnish European population, which is lower than the ClinGen ACADVL Variant Curation Expert Panel threshold (<0.001) for PM2_Supporting, meeting this criterion (PM2_Supporting). At least one individual with this variant was identified by very long chain acyl-CoA dehydrogenase (VLCAD) clinical phenotype, who also carried a pathogenic splicing variant c.623-1G>A in trans, but this information is insufficient for to use toward classification (PMID: 10077518). In summary, this variant meets the criteria to be classified as likely pathogenic for autosomal recessive very long chain acyl-CoA dehydrogenase (VLCAD) deficiency based on the ACMG/AMP criteria applied, as specified by the ClinGen ACADVL Variant Curation Expert Panel: PVS1, PM2_Supporting.

Labcorp Genetics (formerly Invitae), Labcorp
Classification: Pathogenic for Very long chain acyl-CoA dehydrogenase deficiency. Last evaluated: 2025-07-21. Review status: criteria provided, single submitter. Criteria: Invitae Variant Classification Sherloc (09022015). Collection method: clinical testing. Allele origin: germline. Not counted in ClinVar's aggregate classification.
Comment: This sequence change creates a premature translational stop signal (p.Phe311Serfs*42) in the ACADVL gene. It is expected to result in an absent or disrupted protein product. Loss-of-function variants in ACADVL are known to be pathogenic (PMID: 9973285, 11590124). This variant is present in population databases (rs764488310, gnomAD 0.0009%). This premature translational stop signal has been observed in individual(s) with very long-chain acyl-CoA dehydrogenase deficiency (PMID: 10077518). ClinVar contains an entry for this variant (Variation ID: 554546). For these reasons, this variant has been classified as Pathogenic.

Baylor Genetics
Classification: Pathogenic for Very long chain acyl-CoA dehydrogenase deficiency. Last evaluated: 2023-06-19. Review status: criteria provided, single submitter. Criteria: ACMG Guidelines, 2015. Collection method: clinical testing. Allele origin: unknown. Not counted in ClinVar's aggregate classification.

Women's Health and Genetics/Laboratory Corporation of America, LabCorp
Classification: Likely pathogenic for Very long chain acyl-CoA dehydrogenase deficiency. Last evaluated: 2023-03-08. Review status: criteria provided, single submitter. Criteria: LabCorp Variant Classification Summary - May 2015. Collection method: clinical testing. Allele origin: germline. Not counted in ClinVar's aggregate classification.
Comment: Variant summary: ACADVL c.932delT (p.Phe311SerfsX42) results in a premature termination codon, predicted to cause a truncation of the encoded protein or absence of the protein due to nonsense mediated decay, which are commonly known mechanisms for disease. Truncations downstream of this position have been classified as pathogenic by our laboratory. The variant allele was found at a frequency of 4e-06 in 251216 control chromosomes (gnomAD). c.932delT has been reported in the literature in the compound heterozygous state in an individual affected with Very Long Chain Acyl-CoA Dehydrogenase Deficiency (Mathur_1999). This report does not allow for unequivocal conclusions about variant significance. To our knowledge, no experimental evidence demonstrating an impact on protein function has been reported. Four clinical diagnostic laboratories have submitted clinical-significance assessments for this variant to ClinVar after 2014 and all classified the variant as pathogenic (n=3)/likely pathogenic (n=1). Based on the evidence outlined above, the variant was classified as likely pathogenic.

ARUP Laboratories, Molecular Genetics and Genomics, ARUP Laboratories
Classification: Pathogenic for Very long chain acyl-CoA dehydrogenase deficiency. Last evaluated: 2020-03-19. Review status: criteria provided, single submitter. Criteria: ARUP Molecular Germline Variant Investigation Process. Collection method: clinical testing. Allele origin: germline. Not counted in ClinVar's aggregate classification.
Comment: The ACADVL c.932delT; p.Phe311fs variant (rs764488310) is reported in the literature in an infant who had VLCAD deficiency and dilated cardiomyopathy (Mathur 1999). This variant is also reported in the ClinVar database (Variation ID: 554546). It is only observed on one allele in the Genome Aggregation Database, indicating it is not a common polymorphism. This variant causes a frameshift by deleting a single nucleotide, so it is predicted to result in a truncated protein or mRNA subject to nonsense-mediated decay. Based on available information, this variant is considered to be pathogenic. REFERENCES Mathur A et al. Molecular heterogeneity in very-long-chain acyl-CoA dehydrogenase deficiency causing pediatric cardiomyopathy and sudden death. Circulation. 1999 Mar 16;99(10):1337-43.

Natera, Inc.
Classification: Pathogenic for Very long chain acyl-CoA dehydrogenase deficiency. Last evaluated: 2021-04-14. Review status: no assertion criteria provided. Collection method: clinical testing. Allele origin: germline. Not counted in ClinVar's aggregate classification.

Counsyl
Classification: Likely pathogenic for Very long chain acyl-CoA dehydrogenase deficiency. Last evaluated: 2017-10-25. Review status: no assertion criteria provided. Collection method: clinical testing. Allele origin: unknown. Not counted in ClinVar's aggregate classification.

Literature cited by the submitters: PubMed 9973285 (cited by Labcorp Genetics (formerly Invitae), Labcorp); PubMed 11590124 (cited by Labcorp Genetics (formerly Invitae), Labcorp); PubMed 10077518 (cited by 3 submitters).